The following is an entry in ClinVar:

NM_017636.4(TRPM4):c.439C>G (p.Gln147Glu)

Gene: TRPM4 (transient receptor potential cation channel subfamily M member 4; plus strand). Cytogenetic location: 19q13.33.
Variant type: single nucleotide variant.
Coding change: c.439C>G on transcript NM_017636.4 (MANE Select); coding-DNA position 439, C replaced by G.
Protein change: p.Gln147Glu; replaces glutamine 147 with glutamic acid.
Molecular consequence: missense variant. On other transcripts: intron variant (4).
Genome position (GRCh38, 1-based): chr19:49,168,088, C>G. VCF-style: chr19-49168088-C-G. GRCh37 (hg19) VCF-style: chr19-49671345-C-G.
Other names: c.439C>G, p.Gln147Glu (NM_001195227.2); c.-1105-172C>G (NM_001321282.2); c.268-465C>G (NM_001321281.2); c.-74-172C>G (NM_001321283.2); c.-237-465C>G (NM_001321285.2); c.439C>G (NM_017636.3); short protein forms Q147E.
Identifiers: ClinVar variation 2763317 (VCV002763317.4), dbSNP rs2514057188, ClinGen allele CA406790694.

ClinVar aggregate classification (germline): Uncertain significance. Review status: criteria provided, multiple submitters, no conflicts (2 of 4 stars). 2 submissions from 2 submitters: Uncertain significance (2). Last evaluated 2024-10-27.

Conditions:
Cardiovascular phenotype. Identifiers: MedGen CN230736.
Progressive familial heart block type IB (PFHB1B). Identifiers: Orphanet 871, MedGen C1970298, MONDO:0011474, OMIM 604559.

Allele frequency attached by ClinVar (database versions not stated): gnomAD exomes below 0.00001.
gnomAD v4.1: 2 of 1,605,374 alleles (0.00012%); highest among the groups gnomAD compares: Non-Finnish European, 0.00017%; no homozygotes.

Submissions (2):

Labcorp Genetics (formerly Invitae), Labcorp
Classification: Uncertain significance for Progressive familial heart block type IB. Last evaluated: 2024-10-27. Review status: criteria provided, single submitter. Criteria: Invitae Variant Classification Sherloc (09022015). Collection method: clinical testing. Allele origin: germline.
Comment: This sequence change replaces glutamine, which is neutral and polar, with glutamic acid, which is acidic and polar, at codon 147 of the TRPM4 protein (p.Gln147Glu). This variant is not present in population databases (gnomAD no frequency). This variant has not been reported in the literature in individuals affected with TRPM4-related conditions. An algorithm developed to predict the effect of missense changes on protein structure and function (PolyPhen-2) suggests that this variant is likely to be tolerated. In summary, the available evidence is currently insufficient to determine the role of this variant in disease. Therefore, it has been classified as a Variant of Uncertain Significance.

Ambry Genetics
Classification: Uncertain significance for Cardiovascular phenotype. Last evaluated: 2024-01-08. Review status: criteria provided, single submitter. Criteria: Ambry Variant Classification Scheme 2023. Collection method: clinical testing. Allele origin: germline.
Comment: The p.Q147E variant (also known as c.439C>G), located in coding exon 4 of the TRPM4 gene, results from a C to G substitution at nucleotide position 439. The glutamine at codon 147 is replaced by glutamic acid, an amino acid with highly similar properties. This amino acid position is conserved. In addition, this alteration is predicted to be tolerated by in silico analysis. Since supporting evidence is limited at this time, the clinical significance of this alteration remains unclear.